The following is an entry in ClinVar:

NM_000264.5(PTCH1):c.263T>G (p.Phe88Cys)

Gene: PTCH1 (patched 1; minus strand). Cytogenetic location: 9q22.32.
Variant type: single nucleotide variant.
Coding change: c.263T>G on transcript NM_000264.5 (MANE Select); coding-DNA position 263, T replaced by G.
Protein change: p.Phe88Cys; replaces phenylalanine 88 with cysteine.
Molecular consequence: missense variant. On other transcripts: 5 prime UTR variant (4), non-coding transcript variant (1).
Genome position (GRCh38, 1-based): chr9:95,506,538, A>C on the plus strand (T>G on the coding strand, the complement: PTCH1 is on the minus strand). VCF-style: chr9-95506538-A-C. GRCh37 (hg19) VCF-style: chr9-98268820-A-C.
Other names: c.65T>G, p.Phe22Cys (NM_001083602.3, NM_001354919.2); c.260T>G, p.Phe87Cys (NM_001083603.3); c.-191T>G (NM_001083604.3, NM_001083605.3, NM_001083606.3 and 1 more transcripts); c.263T>G, p.Phe88Cys (NM_001354918.2); short protein forms F87C, F88C, F22C.
Identifiers: ClinVar variation 4826374 (VCV004826374.2).

ClinVar aggregate classification (germline): Uncertain significance (1 of 4 stars; one submission).

Conditions:
Hereditary cancer-predisposing syndrome. Also called: Hereditary neoplastic syndrome; Neoplastic Syndromes, Hereditary; Tumor predisposition; Hereditary Cancer Syndrome. Identifiers: Orphanet 140162, MedGen C0027672, MeSH D009386, MONDO:0015356.

Submission:

Ambry Genetics
Classification: Uncertain significance for Hereditary cancer-predisposing syndrome. Last evaluated: 2026-05-08. Review status: criteria provided, single submitter. Criteria: Ambry Variant Classification Scheme 2023. Collection method: clinical testing. Allele origin: germline.
Comment: The p.F88C variant (also known as c.263T>G), located in coding exon 2 of the PTCH1 gene, results from a T to G substitution at nucleotide position 263. The phenylalanine at codon 88 is replaced by cysteine, an amino acid with highly dissimilar properties. This amino acid position is conserved. In addition, this alteration is predicted to be deleterious by in silico analysis. Based on the available evidence, the clinical significance of this variant remains unclear.